The following is an entry in ClinVar:

ClinVar aggregate classification (germline): Uncertain significance (1 of 4 stars; one submission).

Allele frequency attached by ClinVar (database versions not stated): gnomAD exomes below 0.00001; ExAC 0.00001.

Submission:

Labcorp Genetics (formerly Invitae), Labcorp
Classification: Uncertain significance. Last evaluated: 2023-10-13. Review status: criteria provided, single submitter. Criteria: Invitae Variant Classification Sherloc (09022015). Collection method: clinical testing. Allele origin: germline.
Comment: This sequence change replaces valine, which is neutral and non-polar, with isoleucine, which is neutral and non-polar, at codon 421 of the CHD8 protein (p.Val421Ile). This variant is present in population databases (rs769944317, gnomAD 0.003%). This variant has not been reported in the literature in individuals affected with CHD8-related conditions. Advanced modeling of protein sequence and biophysical properties (such as structural, functional, and spatial information, amino acid conservation, physicochemical variation, residue mobility, and thermodynamic stability) performed at Invitae indicates that this missense variant is not expected to disrupt CHD8 protein function. In summary, the available evidence is currently insufficient to determine the role of this variant in disease. Therefore, it has been classified as a Variant of Uncertain Significance.

NM_001170629.2(CHD8):c.1261G>A (p.Val421Ile)

Gene: CHD8 (chromodomain helicase DNA binding protein 8; minus strand). Cytogenetic location: 14q11.2.
Variant type: single nucleotide variant.
Coding change: c.1261G>A on transcript NM_001170629.2 (MANE Select); coding-DNA position 1261, G replaced by A.
Protein change: p.Val421Ile; replaces valine 421 with isoleucine.
Molecular consequence: missense variant.
Genome position (GRCh38, 1-based): chr14:21,428,209, C>T on the plus strand (G>A on the coding strand, the complement: CHD8 is on the minus strand). VCF-style: chr14-21428209-C-T. GRCh37 (hg19) VCF-style: chr14-21896368-C-T.
Other names: c.424G>A, p.Val142Ile (NM_020920.4); short protein forms V142I, V421I.
Identifiers: ClinVar variation 2710425 (VCV002710425.3), dbSNP rs769944317, ClinGen allele CA7091803.